The following is an entry in ClinVar:

NM_001385012.1(NBEA):c.8349C>T (p.Asp2783=)

Gene: NBEA (neurobeachin; plus strand). Cytogenetic location: 13q13.3.
Variant type: single nucleotide variant.
Coding change: c.8349C>T on transcript NM_001385012.1 (MANE Select); coding-DNA position 8349, C replaced by T.
Protein change: p.Asp2783=; no amino-acid change (aspartic acid 2783 retained).
Molecular consequence: synonymous variant.
Genome position (GRCh38, 1-based): chr13:35,655,736, C>T. VCF-style: chr13-35655736-C-T. GRCh37 (hg19) VCF-style: chr13-36229873-C-T.
Other names: p.Asp2762=; c.1665C>T, p.Asp555= (NM_001204197.3); c.8340C>T, p.Asp2780= (NM_001379245.1); c.8286C>T, p.Asp2762= (NM_015678.5).
Identifiers: ClinVar variation 1294523 (VCV001294523.6), dbSNP rs2274550, ClinGen allele CA6947947.

ClinVar aggregate classification (germline): Benign. Review status: criteria provided, multiple submitters, no conflicts (2 of 4 stars). 4 submissions from 4 submitters: Benign (3). 1 of the submissions does not count toward it. Last evaluated 2022-09-29.

Conditions:
NBEA-related disorder. Also called: NBEA-related condition.

Allele frequency attached by ClinVar (database versions not stated): TOPMed 0.10801; gnomAD 0.11499 and 0.11633; 1000 Genomes Project 0.11721; gnomAD exomes 0.12699; ExAC 0.13041; 1000 Genomes Project 30x 0.11181; ESP Exome Variant Server 0.11255.
gnomAD v4.1: 218,524 of 1,612,162 alleles (14%); highest among the groups gnomAD compares: South Asian, 17%; 15,784 homozygotes.

Submissions (4):

Mayo Clinic Laboratories, Mayo Clinic
Classification: Benign. Last evaluated: 2022-09-29. Review status: criteria provided, single submitter. Criteria: ACMG Guidelines, 2015. Collection method: clinical testing. Allele origin: germline. Observed: 100 variant alleles.

GeneDx
Classification: Benign. Last evaluated: 2019-11-18. Review status: criteria provided, single submitter. Criteria: GeneDx Variant Classification Process June 2021. Collection method: clinical testing. Allele origin: germline. Affected: yes.

Breakthrough Genomics
Classification: Benign. Review status: criteria provided, single submitter. Criteria: ACMG Guidelines, 2015. Collection method: not provided. Allele origin: germline. Inheritance: Autosomal dominant inheritance. Affected: yes.

PreventionGenetics, part of Exact Sciences
Classification: Benign for NBEA-related condition. Last evaluated: 2019-10-21. Review status: no assertion criteria provided. Collection method: clinical testing. Allele origin: germline. Not counted in ClinVar's aggregate classification.
Comment: This variant is classified as benign based on ACMG/AMP sequence variant interpretation guidelines (Richards et al. 2015 PMID: 25741868, with internal and published modifications).